The following is an entry in ClinVar:

NM_001017975.6(HFM1):c.3470G>A (p.Cys1157Tyr)

Gene: HFM1 (helicase for meiosis 1; minus strand). Cytogenetic location: 1p22.2.
Variant type: single nucleotide variant.
Coding change: c.3470G>A on transcript NM_001017975.6 (MANE Select); coding-DNA position 3470, G replaced by A.
Protein change: p.Cys1157Tyr; replaces cysteine 1157 with tyrosine.
Molecular consequence: missense variant. On other transcripts: non-coding transcript variant (1).
Genome position (GRCh38, 1-based): chr1:91,276,984, C>T on the plus strand (G>A on the coding strand, the complement: HFM1 is on the minus strand). VCF-style: chr1-91276984-C-T. GRCh37 (hg19) VCF-style: chr1-91742541-C-T.
Other names: short protein forms C1157Y.
Identifiers: ClinVar variation 2498407 (VCV002498407.29), dbSNP rs74938180, ClinGen allele CA945601.
Genomic context (GRCh38, chr1:91,276,984, plus strand): 5'-TCCACCAAAGACCTTTCAATTTTGAACACTTTAAATAAACTTGTTTTAAGGAACTCACAG[C>T]AGTCATGTCCACATGTATGTTTACTTTTACAAAGATGATTGCATTCTCGGTTCCCAGGTT-3'
Protein context (NP_001017975.5, residues 1147-1167): CKSKHTCGHD[Cys1157Tyr]CKIGVAQKSE

ClinVar aggregate classification (germline): Conflicting classifications of pathogenicity. Review status: criteria provided, conflicting classifications (1 of 4 stars). 2 submissions from 2 submitters: Uncertain significance (1); Likely benign (1). Last evaluated 2024-09-22.

Conditions:
Premature ovarian failure 9 (POF9). Identifiers: MedGen C3810376, MONDO:0014322, OMIM 615724.

Allele frequency attached by ClinVar (database versions not stated): ESP Exome Variant Server 0.00008; ExAC 0.00183; 1000 Genomes Project 30x 0.00468; 1000 Genomes Project 0.00539.
gnomAD v4.1: 1,081 of 1,569,286 alleles (0.069%); highest among the groups gnomAD compares: East Asian, 2%; 8 homozygotes.

Submissions (2):

Genomic Medicine Center of Excellence, King Faisal Specialist Hospital and Research Centre
Classification: Uncertain significance for Premature ovarian failure 9. Last evaluated: 2024-09-22. Review status: criteria provided, single submitter. Criteria: ACMG Guidelines, 2015. Collection method: clinical testing. Allele origin: germline.

CeGaT Center for Human Genetics Tuebingen
Classification: Likely benign. Last evaluated: 2023-03-01. Review status: criteria provided, single submitter. Criteria: CeGaT Center For Human Genetics Tuebingen Variant Classification Criteria Version 2. Collection method: clinical testing. Allele origin: germline. Affected: yes. Observed: 1 variant allele.
Comment: HFM1: BS1